The following is an entry in ClinVar:

NM_005045.4(RELN):c.4881A>C (p.Gln1627His)

Gene: RELN (reelin; minus strand). Cytogenetic location: 7q22.1.
Variant type: single nucleotide variant.
Coding change: c.4881A>C on transcript NM_005045.4 (MANE Select); coding-DNA position 4881, A replaced by C.
Protein change: p.Gln1627His; replaces glutamine 1627 with histidine.
Molecular consequence: missense variant.
Genome position (GRCh38, 1-based): chr7:103,566,279, T>G on the plus strand (A>C on the coding strand, the complement: RELN is on the minus strand). VCF-style: chr7-103566279-T-G. GRCh37 (hg19) VCF-style: chr7-103206726-T-G.
Other names: c.4881A>C, p.Gln1627His (NM_173054.3); short protein forms Q1627H.
Identifiers: ClinVar variation 2096922 (VCV002096922.4), dbSNP rs2484743163, ClinGen allele CA368747859.

ClinVar aggregate classification (germline): Uncertain significance (1 of 4 stars; one submission).

Conditions:
Norman-Roberts syndrome (LIS2). Also called: Lissencephaly 2 (Norman-Roberts type). Identifiers: Orphanet 89844, MedGen C0796089, MONDO:0009760, OMIM 257320.
Familial temporal lobe epilepsy 7. Identifiers: Orphanet 101046, MedGen C4225327, MONDO:0014639, OMIM 616436.

Submission:

Labcorp Genetics (formerly Invitae), Labcorp
Classification: Uncertain significance for Familial temporal lobe epilepsy 7; Norman-Roberts syndrome. Last evaluated: 2022-02-11. Review status: criteria provided, single submitter. Criteria: Invitae Variant Classification Sherloc (09022015). Collection method: clinical testing. Allele origin: germline.
Comment: Algorithms developed to predict the effect of missense changes on protein structure and function are either unavailable or do not agree on the potential impact of this missense change (SIFT: "Deleterious"; PolyPhen-2: "Probably Damaging"; Align-GVGD: "Class C0"). This sequence change replaces glutamine, which is neutral and polar, with histidine, which is basic and polar, at codon 1627 of the RELN protein (p.Gln1627His). This variant is not present in population databases (gnomAD no frequency). This variant has not been reported in the literature in individuals affected with RELN-related conditions. In summary, the available evidence is currently insufficient to determine the role of this variant in disease. Therefore, it has been classified as a Variant of Uncertain Significance.